The following is an entry in ClinVar:

ClinVar aggregate classification (germline): Uncertain significance (1 of 4 stars; one submission).

gnomAD v4.1: 1 of 1,549,398 alleles (0.000065%); highest among the groups gnomAD compares: Non-Finnish European, 0.000087%; no homozygotes.

Submission:

GeneDx
Classification: Uncertain significance. Last evaluated: 2019-03-25. Review status: criteria provided, single submitter. Criteria: GeneDx Variant Classification Process June 2021. Collection method: clinical testing. Allele origin: germline. Affected: yes.
Comment: Not observed in large population cohorts (Lek et al., 2016); In silico analysis, which includes protein predictors and evolutionary conservation, supports that this variant does not alter protein structure/function; Has not been previously published as pathogenic or benign to our knowledge

NM_001367624.2(ZNF469):c.4478C>A (p.Pro1493Gln)

Gene: ZNF469 (zinc finger protein 469; plus strand). Cytogenetic location: 16q24.2.
Variant type: single nucleotide variant.
Coding change: c.4478C>A on transcript NM_001367624.2 (MANE Select); coding-DNA position 4478, C replaced by A.
Protein change: p.Pro1493Gln; replaces proline 1493 with glutamine.
Molecular consequence: missense variant.
Genome position (GRCh38, 1-based): chr16:88,431,948, C>A. VCF-style: chr16-88431948-C-A. GRCh37 (hg19) VCF-style: chr16-88498356-C-A.
Other names: NM_001127464.1:c.4394C>A; short protein forms P1493Q.
Identifiers: ClinVar variation 1302421 (VCV001302421.2), dbSNP rs369382753, ClinGen allele CA397092206.